The following is an entry in ClinVar:

ClinVar aggregate classification (germline): Likely benign (1 of 4 stars; one submission).

Conditions:
Glanzmann thrombasthenia. Also called: PLATELET GLYCOPROTEIN IIb-IIIa DEFICIENCY; Thrombasthenia; Glanzmann's thrombasthenia; BLEEDING DISORDER, PLATELET-TYPE, 2; THROMBASTHENIA OF GLANZMANN AND NAEGELI. Identifiers: Orphanet 849, MedGen C0040015, MONDO:0100326.

Allele frequency attached by ClinVar (database versions not stated): gnomAD 0.01577 and 0.01650; TOPMed 0.01820; 1000 Genomes Project 0.02216; 1000 Genomes Project 30x 0.02217.

Submission:

Illumina Laboratory Services, Illumina
Classification: Likely benign for Glanzmann thrombasthenia 1. Last evaluated: 2017-04-28. Review status: criteria provided, single submitter. Criteria: ICSL Variant Classification Criteria 13 December 2019. Collection method: clinical testing. Allele origin: germline.
Comment: This variant was observed as part of a predisposition screen in an ostensibly healthy population. A literature search was performed for the gene, cDNA change, and amino acid change (where applicable). No publications were found based on this search. Allele frequency data from public databases allowed determination this variant is unlikely to cause disease. Therefore, this variant is classified as likely benign.

NM_000212.3(ITGB3):c.*919C>T

Genes: EFCAB13-DT (EFCAB13 divergent transcript; minus strand), ITGB3 (integrin subunit beta 3; plus strand). Cytogenetic location: 17q21.32.
Variant type: single nucleotide variant.
Coding change: c.*919C>T on transcript NM_000212.3 (MANE Select); 919 bases downstream of the stop codon, C replaced by T.
Molecular consequence: 3 prime UTR variant.
Genome position (GRCh38, 1-based): chr17:47,311,123, C>T. VCF-style: chr17-47311123-C-T. GRCh37 (hg19) VCF-style: chr17-45388489-C-T.
Identifiers: ClinVar variation 323890 (VCV000323890.5), dbSNP rs73322319, ClinGen allele CA10649561.